The following is an entry in ClinVar:

ClinVar aggregate classification (germline): Uncertain significance. Review status: criteria provided, multiple submitters, no conflicts (2 of 4 stars). 3 submissions from 3 submitters: Uncertain significance (3). Last evaluated 2025-10-26.

Conditions:
Hereditary pheochromocytoma and paraganglioma. Also called: Hereditary pheochromocytoma-paraganglioma; Hereditary paragangliomas and pheochromocytomas; Hereditary Paraganglioma-Pheochromocytoma Syndromes. Identifiers: Orphanet 29072, MedGen C4274332, MONDO:0017366.
Hereditary cancer-predisposing syndrome. Also called: Hereditary Cancer Syndrome; Tumor predisposition; Neoplastic Syndromes, Hereditary; Hereditary neoplastic syndrome. Identifiers: Orphanet 140162, MedGen C0027672, MeSH D009386, MONDO:0015356.
Pheochromocytoma. Also called: MAX-Related Hereditary Paraganglioma-Pheochromocytoma Syndrome. Identifiers: Orphanet 29072, MedGen C0031511, MONDO:0008233, OMIM 171300, HP:0002666.

Allele frequency attached by ClinVar (database versions not stated): gnomAD 0.00001; TOPMed 0.00001.
gnomAD v4.1: 3 of 1,566,394 alleles (0.00019%); highest among the groups gnomAD compares: Non-Finnish European, 0.00026%; no homozygotes.

Submissions (3):

Labcorp Genetics (formerly Invitae), Labcorp
Classification: Uncertain significance for Hereditary pheochromocytoma and paraganglioma. Last evaluated: 2025-10-26. Review status: criteria provided, single submitter. Criteria: Invitae Variant Classification Sherloc (09022015). Collection method: clinical testing. Allele origin: germline.
Comment: This sequence change replaces alanine, which is neutral and non-polar, with glycine, which is neutral and non-polar, at codon 34 of the TMEM127 protein (p.Ala34Gly). This variant is not present in population databases (gnomAD no frequency). This variant has not been reported in the literature in individuals affected with TMEM127-related conditions. ClinVar contains an entry for this variant (Variation ID: 818275). An algorithm developed to predict the effect of missense changes on protein structure and function (PolyPhen-2) suggests that this variant is likely to be disruptive. In summary, the available evidence is currently insufficient to determine the role of this variant in disease. Therefore, it has been classified as a Variant of Uncertain Significance.

Ambry Genetics
Classification: Uncertain significance for Hereditary cancer-predisposing syndrome. Last evaluated: 2024-04-05. Review status: criteria provided, single submitter. Criteria: Ambry Variant Classification Scheme 2023. Collection method: clinical testing. Allele origin: germline.
Comment: The p.A34G variant (also known as c.101C>G), located in coding exon 1 of the TMEM127 gene, results from a C to G substitution at nucleotide position 101. The alanine at codon 34 is replaced by glycine, an amino acid with similar properties. This variant has been observed in at least one individual with a personal and/or family history that is consistent with TMEM127-related paraganglioma-pheochromocytoma syndrome (Ambry internal data). This amino acid position is highly conserved in available vertebrate species. In addition, the in silico prediction for this alteration is inconclusive. Since supporting evidence is limited at this time, the clinical significance of this alteration remains unclear.

Baylor Genetics
Classification: Uncertain significance for Pheochromocytoma. Last evaluated: 2023-10-15. Review status: criteria provided, single submitter. Criteria: ACMG Guidelines, 2015. Collection method: clinical testing. Allele origin: unknown.

NM_017849.4(TMEM127):c.101C>G (p.Ala34Gly)

Genes: TMEM127 (transmembrane protein 127; minus strand), LOC129934333 (ATAC-STARR-seq lymphoblastoid silent region 11759; plus strand). Cytogenetic location: 2q11.2.
Variant type: single nucleotide variant.
Coding change: c.101C>G on transcript NM_017849.4 (MANE Select); coding-DNA position 101, C replaced by G.
Protein change: p.Ala34Gly; replaces alanine 34 with glycine.
Molecular consequence: missense variant.
Genome position (GRCh38, 1-based): chr2:96,265,281, G>C on the plus strand (C>G on the coding strand, the complement: TMEM127 is on the minus strand). VCF-style: chr2-96265281-G-C. GRCh37 (hg19) VCF-style: chr2-96931019-G-C.
Other names: c.101C>G, p.Ala34Gly (NM_001193304.3); short protein forms A34G.
Identifiers: ClinVar variation 818275 (VCV000818275.11), dbSNP rs1451389209, ClinGen allele CA347656111.
Genomic context (GRCh38, chr2:96,265,281, plus strand): 5'-AACCAGGCGGGCTCGGCGAGGGCAGTGCACAGCGCCGTGATAGACAGGGCGCCAGGCAGG[G>C]CCGAGGCCAGGCTACGCTCCGGCTGCTTGGGCAGAGCGCTGCCTCCCGGGCTCCTCCGCC-3'
Protein context (NP_060319.1, residues 24-44): PKQPERSLAS[Ala34Gly]LPGALSITAL